The following is an entry in ClinVar:

NM_000388.4(CASR):c.1732+17T>G

Gene: CASR (calcium sensing receptor; plus strand). Cytogenetic location: 3q21.1.
Variant type: single nucleotide variant.
Coding change: c.1732+17T>G on transcript NM_000388.4 (MANE Select); 17 bases into the intron after coding-DNA position 1732, T replaced by G.
Molecular consequence: intron variant.
Genome position (GRCh38, 1-based): chr3:122,282,253, T>G. VCF-style: chr3-122282253-T-G. GRCh37 (hg19) VCF-style: chr3-122001100-T-G.
Other names: c.1762+17T>G (NM_001178065.2).
Identifiers: ClinVar variation 1648478 (VCV001648478.10), dbSNP rs201033132, ClinGen allele CA2569730.

ClinVar aggregate classification (germline): Benign/Likely benign. Review status: criteria provided, multiple submitters, no conflicts (2 of 4 stars). 3 submissions from 3 submitters: Benign (1); Likely benign (2). Last evaluated 2025-09-21.

Conditions:
Autosomal dominant hypocalcemia 1 (HYPOC1). Also called: HYPOCALCEMIA, FAMILIAL. Identifiers: MedGen C3715128, MONDO:0011013, OMIM 601198.
Familial hypocalciuric hypercalcemia (FHH). Also called: Familial benign hypercalcemia. Identifiers: Orphanet 405, MedGen C1809471, MONDO:0018458.

Allele frequency attached by ClinVar (database versions not stated): gnomAD 0.00002 and 0.00003; TOPMed 0.00003; gnomAD exomes 0.00005 and 0.00007; ExAC 0.00007.
gnomAD v4.1: 87 of 1,613,760 alleles (0.0054%); highest among the groups gnomAD compares: Middle Eastern, 0.066%; no homozygotes.

Submissions (3):

Labcorp Genetics (formerly Invitae), Labcorp
Classification: Likely benign for Familial hypocalciuric hypercalcemia; Autosomal dominant hypocalcemia 1. Last evaluated: 2025-09-21. Review status: criteria provided, single submitter. Criteria: Invitae Variant Classification Sherloc (09022015). Collection method: clinical testing. Allele origin: germline.

Blueprint Genetics
Classification: Likely benign. Last evaluated: 2024-04-19. Review status: criteria provided, single submitter. Criteria: ACMG Guidelines, 2015. Collection method: clinical testing. Allele origin: germline.

Women's Health and Genetics/Laboratory Corporation of America, LabCorp
Classification: Benign. Last evaluated: 2023-10-17. Review status: criteria provided, single submitter. Criteria: LabCorp Variant Classification Summary - May 2015. Collection method: clinical testing. Allele origin: germline.
Comment: Variant summary: CASR c.1732+17T>G alters a non-conserved nucleotide located at a position not widely known to affect splicing. Consensus agreement among computation tools predict no significant impact on normal splicing. However, these predictions have yet to be confirmed by functional studies. The variant allele was found at a frequency of 7.2e-05 in 251462 control chromosomes (gnomAD). The observed variant frequency is approximately 6 fold of the estimated maximal expected allele frequency for a pathogenic variant in CASR causing Familial Hypocalciuric Hypercalcemia phenotype (1.3e-05), strongly suggesting that the variant is benign. To our knowledge, no occurrence of c.1732+17T>G in individuals affected with Familial Hypocalciuric Hypercalcemia and no experimental evidence demonstrating its impact on protein function have been reported. One submitter has cited clinical-significance assessments for this variant to ClinVar after 2014 and has classified the variant as likely benign. Based on the evidence outlined above, the variant was classified as benign.